The following is an entry in ClinVar:

ClinVar aggregate classification (germline): Uncertain significance (1 of 4 stars; one submission).

Conditions:
Craniolenticulosutural dysplasia (CLSD). Also called: BOYADJIEV-JABS SYNDROME. Identifiers: Orphanet 50814, MedGen C1843042, MONDO:0011911, OMIM 607812.

Allele frequency attached by ClinVar (database versions not stated): ExAC 0.00001; TOPMed 0.00001.

Submission:

Labcorp Genetics (formerly Invitae), Labcorp
Classification: Uncertain significance for Craniolenticulosutural dysplasia. Last evaluated: 2022-10-14. Review status: criteria provided, single submitter. Criteria: Invitae Variant Classification Sherloc (09022015). Collection method: clinical testing. Allele origin: germline.
Comment: Advanced modeling of protein sequence and biophysical properties (such as structural, functional, and spatial information, amino acid conservation, physicochemical variation, residue mobility, and thermodynamic stability) performed at Invitae indicates that this missense variant is not expected to disrupt SEC23A protein function. This sequence change replaces leucine, which is neutral and non-polar, with phenylalanine, which is neutral and non-polar, at codon 163 of the SEC23A protein (p.Leu163Phe). This variant is present in population databases (rs755859006, gnomAD 0.003%). This variant has not been reported in the literature in individuals affected with SEC23A-related conditions. Algorithms developed to predict the effect of sequence changes on RNA splicing suggest that this variant may create or strengthen a splice site. In summary, the available evidence is currently insufficient to determine the role of this variant in disease. Therefore, it has been classified as a Variant of Uncertain Significance.

NM_006364.4(SEC23A):c.489G>C (p.Leu163Phe)

Gene: SEC23A (SEC23 homolog A, COPII component; minus strand). Cytogenetic location: 14q21.1.
Variant type: single nucleotide variant.
Coding change: c.489G>C on transcript NM_006364.4 (MANE Select); coding-DNA position 489, G replaced by C.
Protein change: p.Leu163Phe; replaces leucine 163 with phenylalanine.
Molecular consequence: missense variant.
Genome position (GRCh38, 1-based): chr14:39,091,591, C>G on the plus strand (G>C on the coding strand, the complement: SEC23A is on the minus strand). VCF-style: chr14-39091591-C-G. GRCh37 (hg19) VCF-style: chr14-39560795-C-G.
Other names: short protein forms L163F.
Identifiers: ClinVar variation 2959459 (VCV002959459.3), dbSNP rs755859006, ClinGen allele CA7162128.